The following is an entry in ClinVar:

NM_002609.4(PDGFRB):c.2208C>T (p.Ser736=)

Gene: PDGFRB (platelet derived growth factor receptor beta; minus strand). Cytogenetic location: 5q32.
Variant type: single nucleotide variant.
Coding change: c.2208C>T on transcript NM_002609.4 (MANE Select); coding-DNA position 2208, C replaced by T.
Protein change: p.Ser736=; no amino-acid change (serine 736 retained).
Molecular consequence: synonymous variant.
Genome position (GRCh38, 1-based): chr5:150,122,016, G>A on the plus strand (C>T on the coding strand, the complement: PDGFRB is on the minus strand). VCF-style: chr5-150122016-G-A. GRCh37 (hg19) VCF-style: chr5-149501579-G-A.
Other names: c.2016C>T, p.Ser672= (NM_001355016.2); c.1725C>T, p.Ser575= (NM_001355017.2).
Identifiers: ClinVar variation 2418520 (VCV002418520.33), dbSNP rs776488990, ClinGen allele CA3507713.

ClinVar aggregate classification (germline): Likely benign. Review status: criteria provided, multiple submitters, no conflicts (2 of 4 stars). 2 submissions from 2 submitters: Likely benign (2). Last evaluated 2022-11-01.

Conditions:
Infantile myofibromatosis (IMF). Also called: Congenital generalized fibromatosis. Identifiers: Orphanet 2591, MedGen C0432284, MONDO:0016824.
Skeletal overgrowth-craniofacial dysmorphism-hyperelastic skin-white matter lesions syndrome. Also called: SKELETAL OVERGROWTH WITH FACIAL DYSMORPHISM, HYPERELASTIC SKIN, WHITE MATTER LESIONS, AND NEUROLOGIC DETERIORATION; Kosaki overgrowth syndrome. Identifiers: Orphanet 477831, MedGen C4225270, MONDO:0014704, OMIM 616592.
Basal ganglia calcification, idiopathic, 4 (PFBC4). Also called: Familial Idiopathic Basal Ganglia Calcification 4; PRIMARY FAMILIAL BRAIN CALCIFICATION 4, AUTOSOMAL DOMINANT. Identifiers: Orphanet 1980, MedGen C3554321, MONDO:0014004, OMIM 615007.
Acroosteolysis-keloid-like lesions-premature aging syndrome. Also called: Premature aging syndrome, Penttinen type; Prematurely aged appearance, delayed bone maturation, acro-osteolysis, and brachydactyly; Progeroid syndrome, Penttinen type. Identifiers: Orphanet 363665, MedGen C1866182, MONDO:0011150, OMIM 601812.

gnomAD v4.1: 16 of 1,613,346 alleles (0.00099%); highest among the groups gnomAD compares: Middle Eastern, 0.017%; no homozygotes.

Submissions (2):

CeGaT Center for Human Genetics Tuebingen
Classification: Likely benign. Last evaluated: 2022-11-01. Review status: criteria provided, single submitter. Criteria: CeGaT Center For Human Genetics Tuebingen Variant Classification Criteria Version 2. Collection method: clinical testing. Allele origin: germline. Affected: yes. Observed: 1 variant allele.
Comment: PDGFRB: BP4, BP7

Labcorp Genetics (formerly Invitae), Labcorp
Classification: Likely benign for Basal ganglia calcification, idiopathic, 4; Skeletal overgrowth-craniofacial dysmorphism-hyperelastic skin-white matter lesions syndrome; Infantile myofibromatosis; Acroosteolysis-keloid-like lesions-premature aging syndrome. Last evaluated: 2022-07-21. Review status: criteria provided, single submitter. Criteria: Invitae Variant Classification Sherloc (09022015). Collection method: clinical testing. Allele origin: germline.